The following is an entry in ClinVar:

NM_007294.4(BRCA1):c.2864C>G (p.Ser955Ter)

Gene: BRCA1 (BRCA1 DNA repair associated; minus strand). Cytogenetic location: 17q21.31.
Variant type: single nucleotide variant.
Coding change: c.2864C>G on transcript NM_007294.4 (MANE Select); coding-DNA position 2864, C replaced by G.
Protein change: p.Ser955Ter; replaces serine 955 with a stop codon.
Molecular consequence: nonsense. On other transcripts: intron variant (137).
Genome position (GRCh38, 1-based): chr17:43,092,667, G>C on the plus strand (C>G on the coding strand, the complement: BRCA1 is on the minus strand). VCF-style: chr17-43092667-G-C. GRCh37 (hg19) VCF-style: chr17-41244684-G-C.
Other names: 2983 C>G; c.2651C>G, p.Ser884Ter (NM_001407571.1, NM_001407853.1, NM_001407894.1 and 9 more transcripts); c.2864C>G, p.Ser955Ter (NM_001407581.1, NM_001407582.1, NM_001407583.1 and 30 more transcripts); c.2861C>G, p.Ser954Ter (NM_001407587.1, NM_001407590.1, NM_001407591.1 and 22 more transcripts); c.2855C>G, p.Ser952Ter (NM_001407646.1, NM_001407647.1); c.2783C>G, p.Ser928Ter (NM_001407659.1, NM_001407660.1, NM_001407661.1 and 1 more transcripts); c.2786C>G, p.Ser929Ter (NM_001407663.1, NM_001407653.1, NM_001407654.1 and 4 more transcripts); c.2741C>G, p.Ser914Ter (NM_001407664.1, NM_001407665.1, NM_001407666.1 and 19 more transcripts); and 42 more; short protein forms S955*, S908*, S659*, S827*, S866*, S884*, S928*, S929*.
Identifiers: ClinVar variation 266312 (VCV000266312.6), dbSNP rs80357295, ClinGen allele CA10589804.

ClinVar aggregate classification (germline): Pathogenic. Review status: reviewed by expert panel (3 of 4 stars). 2 submissions from 2 submitters: Pathogenic (1). 1 of the submissions does not count toward it. Last evaluated 2016-10-18.

Conditions:
Breast-ovarian cancer, familial, susceptibility to, 1 (BROVCA1). Also called: BRCA1 Hereditary Breast and Ovarian Cancer; OVARIAN CANCER, SUSCEPTIBILITY TO. Identifiers: Orphanet 145, MedGen C2676676, MONDO:0011450, OMIM 604370. Disease mechanism: loss of function.

Submissions (2):

Evidence-based Network for the Interpretation of Germline Mutant Alleles (ENIGMA)
Classification: Pathogenic for Breast-ovarian cancer, familial, susceptibility to, 1. Last evaluated: 2016-10-18. Review status: reviewed by expert panel. Criteria: ENIGMA BRCA1/2 Classification Criteria (2015). Collection method: curation. Allele origin: germline.
Comment: Variant allele predicted to encode a truncated non-functional protein.

Consortium of Investigators of Modifiers of BRCA1/2 (CIMBA), c/o University of Cambridge
Classification: Pathogenic for Breast-ovarian cancer, familial, susceptibility to, 1. Last evaluated: 2015-10-02. Review status: criteria provided, single submitter. Criteria: CIMBA Mutation Classification guidelines May 2016. Collection method: clinical testing. Allele origin: germline. Not counted in ClinVar's aggregate classification.